The following is an entry in ClinVar:

NM_001276270.2(MBD4):c.336-25A>G

Gene: MBD4 (methyl-CpG binding domain 4, DNA glycosylase; minus strand). Cytogenetic location: 3q21.3.
Variant type: single nucleotide variant.
Coding change: c.336-25A>G on transcript NM_001276270.2 (MANE Select); 25 bases into the intron before coding-DNA position 336, A replaced by G.
Molecular consequence: intron variant.
Genome position (GRCh38, 1-based): chr3:129,437,333, T>C on the plus strand (A>G on the coding strand, the complement: MBD4 is on the minus strand). VCF-style: chr3-129437333-T-C. GRCh37 (hg19) VCF-style: chr3-129156176-T-C.
Other names: c.247+475A>G (NM_001276273.2); c.336-25A>G (NM_001276272.2, NM_003925.3, NM_001276271.2).
Identifiers: ClinVar variation 4624414 (VCV004624414.1).

ClinVar aggregate classification (germline): Uncertain significance (1 of 4 stars; one submission).

Conditions:
Inborn genetic diseases. Identifiers: MedGen C0950123, MeSH D030342.

Submission:

Ambry Genetics
Classification: Uncertain significance for Inborn genetic diseases. Last evaluated: 2025-11-05. Review status: criteria provided, single submitter. Criteria: Ambry Variant Classification Scheme 2023. Collection method: clinical testing. Allele origin: germline.
Comment: The c.336-25A>G intronic variant results from an A to G substitution 25 nucleotides upstream from coding exon 3 in the MBD4 gene. This nucleotide position is well conserved in available vertebrate species. In silico splice site analysis for this alteration is inconclusive; however, direct evidence is insufficient at this time (Ambry internal data). Based on the available evidence, the clinical significance of this variant remains unclear.